The following is an entry in ClinVar:

NM_006268.5(DPF2):c.19A>G (p.Asn7Asp)

Gene: DPF2 (double PHD fingers 2; plus strand). Cytogenetic location: 11q13.1.
Variant type: single nucleotide variant.
Coding change: c.19A>G on transcript NM_006268.5 (MANE Select); coding-DNA position 19, A replaced by G.
Protein change: p.Asn7Asp; replaces asparagine 7 with aspartic acid.
Molecular consequence: missense variant.
Genome position (GRCh38, 1-based): chr11:65,333,905, A>G. VCF-style: chr11-65333905-A-G. GRCh37 (hg19) VCF-style: chr11-65101376-A-G.
Other names: c.19A>G, p.Asn7Asp (NM_001330308.2); short protein forms N7D.
Identifiers: ClinVar variation 2632651 (VCV002632651.1), dbSNP rs1197539414, ClinGen allele CA381249146.

ClinVar aggregate classification (germline): Uncertain significance (1 of 4 stars; one submission).

Conditions:
DPF2-related disorder. Also called: DPF2-related condition.

Submission:

PreventionGenetics, part of Exact Sciences
Classification: Uncertain significance for DPF2-related condition. Last evaluated: 2023-07-18. Review status: criteria provided, single submitter. Criteria: ACMG Guidelines, 2015. Collection method: clinical testing. Allele origin: germline.
Comment: The DPF2 c.19A>G variant is predicted to result in the amino acid substitution p.Asn7Asp. To our knowledge, this variant has not been reported in the literature or in a large population database, indicating this variant is rare. At this time, the clinical significance of this variant is uncertain due to the absence of conclusive functional and genetic evidence.